The following is an entry in ClinVar:

ClinVar aggregate classification (germline): Uncertain significance. Review status: criteria provided, multiple submitters, no conflicts (2 of 4 stars). 2 submissions from 2 submitters: Uncertain significance (2). Last evaluated 2025-10-29.
ClinVar aggregate classification (somatic clinical impact): Tier II - Potential (1 of 4 stars; one submission).
ClinVar aggregate classification (oncogenicity): Likely oncogenic (1 of 4 stars; one submission).

Conditions:
RASopathy. Also called: Noonan spectrum disorder; rasopathies. Identifiers: Orphanet 536391, MedGen C5555857, MONDO:0021060.
Diffuse midline glioma, H3 K27M-mutant. Identifiers: MedGen C4289688, MONDO:0957196.
Neoplasm. Also called: Neoplasms; Neoplasm (disease); tumor. Identifiers: MedGen C0027651, MeSH D009369, MONDO:0005070, HP:0002664.

Allele frequency attached by ClinVar (database versions not stated): gnomAD exomes below 0.00001.
gnomAD v4.1: 4 of 1,614,140 alleles (0.00025%); highest among the groups gnomAD compares: South Asian, 0.0022%; no homozygotes.

Submissions (4):

Labcorp Genetics (formerly Invitae), Labcorp
Classification: Uncertain significance for RASopathy. Last evaluated: 2025-10-29. Review status: criteria provided, single submitter. Criteria: Invitae Variant Classification Sherloc (09022015). Collection method: clinical testing. Allele origin: germline.
Comment: This sequence change replaces arginine, which is basic and polar, with glutamine, which is neutral and polar, at codon 47 of the MAP2K1 protein (p.Arg47Gln). This variant is not present in population databases (gnomAD no frequency). This missense change has been observed in individual(s) with clinical features of MAP2K1-related conditions (PMID: 29907801). ClinVar contains an entry for this variant (Variation ID: 633293). Invitae Evidence Modeling of protein sequence and biophysical properties (such as structural, functional, and spatial information, amino acid conservation, physicochemical variation, residue mobility, and thermodynamic stability) has been performed for this missense variant. However, the output from this modeling did not meet the statistical confidence thresholds required to predict the impact of this variant on MAP2K1 protein function. In summary, the available evidence is currently insufficient to determine the role of this variant in disease. Therefore, it has been classified as a Variant of Uncertain Significance.

Center for Genomic Medicine, Rigshospitalet, Copenhagen University Hospital
Classification: Likely oncogenic for Neoplasm. Last evaluated: 2025-03-04. Review status: criteria provided, single submitter. Criteria: ClinGen/CGC/VICC Guidelines for Oncogenicity, 2022. Collection method: clinical testing. Allele origin: somatic. Affected: yes.

Institute for Genomic Medicine (IGM) Clinical Laboratory, Nationwide Children's Hospital
Classification: Tier II - Potential for Diffuse midline glioma, H3 K27M-mutant. Assertion type: diagnostic. Clinical significance: supports diagnosis. Last evaluated: 2023-08-28. Review status: criteria provided, single submitter. Criteria: AMP/ASCO/CAP Guidelines, 2017. Collection method: clinical testing. Allele origin: somatic. Affected: yes.
Comment: Variant has Tier II (potential) clinical significance as a diagnostic inclusion criterion in diffuse midline glioma, H3 K27M-mutant, based on the following evidence: 1) Documented in one or more cancer databases (e.g., St. Jude Pecan, COSMIC, CIViC, OncoKB). 2) Appears in one or more well-established professional guidelines (e.g., World Health Organization [WHO]; National Comprehensive Cancer Network [NCCN]) as providing diagnostic, prognostic, or therapeutic information. 3) Assists in diagnosis alone or along with other biomarkers based on small studies or few case reports (Evidence Level D).

Women's Health and Genetics/Laboratory Corporation of America, LabCorp
Classification: Uncertain significance. Last evaluated: 2018-01-04. Review status: criteria provided, single submitter. Criteria: LabCorp Variant Classification Summary - May 2015. Collection method: clinical testing. Allele origin: germline.
Comment: Variant summary: The c.140G>A (p.Arg47Gln) in MAP2K1 gene is a missense variant involves a highly conserved nucleotide. The variant is located outside of any known functional domain or repeat and 3/5 in silico tools predict benign outcome, however no functional studies supporting these predictions were published at the time of evaluation. This variant is absent from the control dataset of gnomAD (~246118 chrs tested). The variant has been reported as a confirmed somatic event in several carcinoma tumors, but yet to be cited by reputable databases/clinical laboratories as a germline event. The variant was identified in a prenatal sample undergoing testing due to abnormal ultrasonic findings. However, the origin of the variant could not have been confirmed as parental studies were not performed. Taking together, the variant was classified as VUS, until new information becomes available.

Literature cited by the submitters: PubMed 29907801 (cited by Labcorp Genetics (formerly Invitae), Labcorp); PubMed 22327936 (cited by Center for Genomic Medicine, Rigshospitalet, Copenhagen University Hospital and Women's Health and Genetics/Laboratory Corporation of America, LabCorp); PubMed 25344691 (cited by Women's Health and Genetics/Laboratory Corporation of America, LabCorp); PubMed 24982505 (cited by Women's Health and Genetics/Laboratory Corporation of America, LabCorp).

NM_002755.4(MAP2K1):c.140G>A (p.Arg47Gln)

Gene: MAP2K1 (mitogen-activated protein kinase kinase 1; plus strand). Cytogenetic location: 15q22.31.
Variant type: single nucleotide variant.
Coding change: c.140G>A on transcript NM_002755.4 (MANE Select); coding-DNA position 140, G replaced by A.
Protein change: p.Arg47Gln; replaces arginine 47 with glutamine.
Molecular consequence: missense variant.
Genome position (GRCh38, 1-based): chr15:66,435,086, G>A. VCF-style: chr15-66435086-G-A. GRCh37 (hg19) VCF-style: chr15-66727424-G-A.
Other names: short protein forms R47Q.
Identifiers: ClinVar variation 633293 (VCV000633293.8), dbSNP rs1567009054, ClinGen allele CA392929123.
Genomic context (GRCh38, chr15:66,435,086, plus strand): 5'-GGACCAACTTGGAGGCCTTGCAGAAGAAGCTGGAGGAGCTAGAGCTTGATGAGCAGCAGC[G>A]AAAGCGCCTTGAGGCCTTTCTTACCCAGAAGCAGAAGGTGGGAGAACTGAAGGATGACGA-3'
Protein context (NP_002746.1, residues 37-57): LEELELDEQQ[Arg47Gln]KRLEAFLTQK